The following is an entry in ClinVar:

ClinVar aggregate classification (germline): Uncertain significance. Review status: criteria provided, multiple submitters, no conflicts (2 of 4 stars). 3 submissions from 3 submitters: Uncertain significance (3). Last evaluated 2025-10-24.

Conditions:
Cardiovascular phenotype. Identifiers: MedGen CN230736.
Dilated cardiomyopathy 1J (CMD1J). Also called: CARDIOMYOPATHY, DILATED, WITH SENSORINEURAL HEARING LOSS, AUTOSOMAL DOMINANT. Identifiers: Orphanet 217622, MedGen C1854368, MONDO:0011541, OMIM 605362.

Allele frequency attached by ClinVar (database versions not stated): gnomAD exomes below 0.00001; gnomAD 0.00001; ExAC 0.00002; 1000 Genomes Project 30x 0.00016; 1000 Genomes Project 0.00020.
gnomAD v4.1: 2 of 1,608,960 alleles (0.00012%); highest among the groups gnomAD compares: South Asian, 0.0022%; no homozygotes.

Submissions (3):

Labcorp Genetics (formerly Invitae), Labcorp
Classification: Uncertain significance for Dilated cardiomyopathy 1J. Last evaluated: 2025-10-24. Review status: criteria provided, single submitter. Criteria: Invitae Variant Classification Sherloc (09022015). Collection method: clinical testing. Allele origin: germline.
Comment: This sequence change replaces lysine, which is basic and polar, with glutamic acid, which is acidic and polar, at codon 14 of the EYA4 protein (p.Lys14Glu). This variant is present in population databases (rs552148856, gnomAD 0.006%). This variant has not been reported in the literature in individuals affected with EYA4-related conditions. ClinVar contains an entry for this variant (Variation ID: 2244206). An algorithm developed to predict the effect of missense changes on protein structure and function (PolyPhen-2) suggests that this variant is likely to be tolerated. In summary, the available evidence is currently insufficient to determine the role of this variant in disease. Therefore, it has been classified as a Variant of Uncertain Significance.

Revvity Omics, Revvity
Classification: Uncertain significance. Last evaluated: 2023-11-06. Review status: criteria provided, single submitter. Criteria: ACMG Guidelines, 2015. Collection method: clinical testing. Allele origin: germline.

Ambry Genetics
Classification: Uncertain significance for Cardiovascular phenotype. Last evaluated: 2021-08-12. Review status: criteria provided, single submitter. Criteria: Ambry Variant Classification Scheme 2023. Collection method: clinical testing. Allele origin: germline.

NM_004100.5(EYA4):c.40A>G (p.Lys14Glu)

Gene: EYA4 (EYA transcriptional coactivator and phosphatase 4; plus strand). Cytogenetic location: 6q23.2.
Variant type: single nucleotide variant.
Coding change: c.40A>G on transcript NM_004100.5 (MANE Select); coding-DNA position 40, A replaced by G.
Protein change: p.Lys14Glu; replaces lysine 14 with glutamic acid.
Molecular consequence: missense variant.
Genome position (GRCh38, 1-based): chr6:133,382,398, A>G. VCF-style: chr6-133382398-A-G. GRCh37 (hg19) VCF-style: chr6-133703536-A-G.
Other names: c.40A>G, p.Lys14Glu (NM_001301012.2, NM_001301013.2, NM_001370458.1 and 3 more transcripts); short protein forms K14E.
Identifiers: ClinVar variation 2244206 (VCV002244206.5), dbSNP rs552148856, ClinGen allele CA4007936.